The following is an entry in ClinVar:

ClinVar aggregate classification (germline): Uncertain significance. Review status: criteria provided, multiple submitters, no conflicts (2 of 4 stars). 2 submissions from 2 submitters: Uncertain significance (2). Last evaluated 2024-11-30.

Conditions:
Familial cancer of breast. Also called: BREAST CANCER, FAMILIAL; Hereditary breast cancer; hereditary breast carcinoma. Identifiers: Orphanet 227535, MedGen C0346153, MONDO:0016419, OMIM 114480. Disease mechanism: loss of function.
Hereditary cancer-predisposing syndrome. Also called: Hereditary Cancer Syndrome; Tumor predisposition; Hereditary neoplastic syndrome; Neoplastic Syndromes, Hereditary. Identifiers: Orphanet 140162, MedGen C0027672, MeSH D009386, MONDO:0015356.

Submissions (2):

Ambry Genetics
Classification: Uncertain significance for Hereditary cancer-predisposing syndrome. Last evaluated: 2024-11-30. Review status: criteria provided, single submitter. Criteria: Ambry Variant Classification Scheme 2023. Collection method: clinical testing. Allele origin: germline.
Comment: The p.Q666E variant (also known as c.1996C>G), located in coding exon 10 of the BARD1 gene, results from a C to G substitution at nucleotide position 1996. The glutamine at codon 666 is replaced by glutamic acid, an amino acid with highly similar properties. This amino acid position is well conserved in available vertebrate species. In addition, the in silico prediction for this alteration is inconclusive. Since supporting evidence is limited at this time, the clinical significance of this alteration remains unclear.

Labcorp Genetics (formerly Invitae), Labcorp
Classification: Uncertain significance for Familial cancer of breast. Last evaluated: 2023-10-09. Review status: criteria provided, single submitter. Criteria: Invitae Variant Classification Sherloc (09022015). Collection method: clinical testing. Allele origin: germline.
Comment: This sequence change replaces glutamine, which is neutral and polar, with glutamic acid, which is acidic and polar, at codon 666 of the BARD1 protein (p.Gln666Glu). This variant is not present in population databases (gnomAD no frequency). This variant has not been reported in the literature in individuals affected with BARD1-related conditions. ClinVar contains an entry for this variant (Variation ID: 1055565). An algorithm developed to predict the effect of missense changes on protein structure and function (PolyPhen-2) suggests that this variant is likely to be disruptive. In summary, the available evidence is currently insufficient to determine the role of this variant in disease. Therefore, it has been classified as a Variant of Uncertain Significance.

NM_000465.4(BARD1):c.1996C>G (p.Gln666Glu)

Gene: BARD1 (BRCA1 associated RING domain 1; minus strand). Cytogenetic location: 2q35.
Variant type: single nucleotide variant.
Coding change: c.1996C>G on transcript NM_000465.4 (MANE Select); coding-DNA position 1996, C replaced by G.
Protein change: p.Gln666Glu; replaces glutamine 666 with glutamic acid.
Molecular consequence: missense variant. On other transcripts: non-coding transcript variant (3).
Genome position (GRCh38, 1-based): chr2:214,730,416, G>C on the plus strand (C>G on the coding strand, the complement: BARD1 is on the minus strand). VCF-style: chr2-214730416-G-C. GRCh37 (hg19) VCF-style: chr2-215595140-G-C.
Other names: c.1939C>G, p.Gln647Glu (NM_001282543.2); c.643C>G, p.Gln215Glu (NM_001282545.2); c.586C>G, p.Gln196Glu (NM_001282548.2); c.457C>G, p.Gln153Glu (NM_001282549.2); short protein forms Q153E, Q196E, Q215E, Q647E, Q666E.
Identifiers: ClinVar variation 1055565 (VCV001055565.9), dbSNP rs730881422, ClinGen allele CA350451093.